The following is an entry in ClinVar:

NM_003718.5(CDK13):c.4405A>G (p.Asn1469Asp)

Gene: CDK13 (cyclin dependent kinase 13; plus strand). Cytogenetic location: 7p14.1.
Variant type: single nucleotide variant.
Coding change: c.4405A>G on transcript NM_003718.5 (MANE Select); coding-DNA position 4405, A replaced by G.
Protein change: p.Asn1469Asp; replaces asparagine 1469 with aspartic acid.
Molecular consequence: missense variant.
Genome position (GRCh38, 1-based): chr7:40,094,846, A>G. VCF-style: chr7-40094846-A-G. GRCh37 (hg19) VCF-style: chr7-40134445-A-G.
Other names: c.4225A>G, p.Asn1409Asp (NM_031267.4); short protein forms N1469D, N1409D.
Identifiers: ClinVar variation 2781924 (VCV002781924.3), dbSNP rs2484075567, ClinGen allele CA367297117.

ClinVar aggregate classification (germline): Uncertain significance (1 of 4 stars; one submission).

Allele frequency attached by ClinVar (database versions not stated): gnomAD exomes below 0.00001.
gnomAD v4.1: 1 of 1,552,666 alleles (0.000064%); highest among the groups gnomAD compares: Non-Finnish European, 0.000087%; no homozygotes.

Submission:

Labcorp Genetics (formerly Invitae), Labcorp
Classification: Uncertain significance. Last evaluated: 2022-11-14. Review status: criteria provided, single submitter. Criteria: Invitae Variant Classification Sherloc (09022015). Collection method: clinical testing. Allele origin: germline.
Comment: This sequence change replaces asparagine, which is neutral and polar, with aspartic acid, which is acidic and polar, at codon 1469 of the CDK13 protein (p.Asn1469Asp). This variant is not present in population databases (gnomAD no frequency). This variant has not been reported in the literature in individuals affected with CDK13-related conditions. Advanced modeling of protein sequence and biophysical properties (such as structural, functional, and spatial information, amino acid conservation, physicochemical variation, residue mobility, and thermodynamic stability) performed at Invitae indicates that this missense variant is not expected to disrupt CDK13 protein function. In summary, the available evidence is currently insufficient to determine the role of this variant in disease. Therefore, it has been classified as a Variant of Uncertain Significance.